The following is an entry in ClinVar:

NM_000358.3(TGFBI):c.1416C>T (p.Leu472=)

Gene: TGFBI (transforming growth factor beta induced; plus strand). Cytogenetic location: 5q31.1.
Variant type: single nucleotide variant.
Coding change: c.1416C>T on transcript NM_000358.3 (MANE Select); coding-DNA position 1416, C replaced by T.
Protein change: p.Leu472=; no amino-acid change (leucine 472 retained).
Molecular consequence: synonymous variant.
Genome position (GRCh38, 1-based): chr5:136,055,685, C>T. VCF-style: chr5-136055685-C-T. GRCh37 (hg19) VCF-style: chr5-135391374-C-T.
Identifiers: ClinVar variation 255936 (VCV000255936.13), dbSNP rs1133170, ClinGen allele CA3420389.

ClinVar aggregate classification (germline): Benign. Review status: criteria provided, multiple submitters, no conflicts (2 of 4 stars). 3 submissions from 3 submitters: Benign (3). Last evaluated 2026-02-01.

Conditions:
Corneal dystrophy. Identifiers: Orphanet 34533, MedGen C0010036, MONDO:0018102, HP:0001131.

Allele frequency attached by ClinVar (database versions not stated): gnomAD exomes 0.26900 and 0.27242; gnomAD 0.27861 and 0.27960; ExAC 0.27867; 1000 Genomes Project 30x 0.27920; ESP Exome Variant Server 0.28005; 1000 Genomes Project 0.28015; TOPMed 0.27537.
gnomAD v4.1: 437,401 of 1,600,388 alleles (27%); highest among the groups gnomAD compares: South Asian, 36%; 60,640 homozygotes.

Submissions (3):

Labcorp Genetics (formerly Invitae), Labcorp
Classification: Benign. Last evaluated: 2026-02-01. Review status: criteria provided, single submitter. Criteria: Invitae Variant Classification Sherloc (09022015). Collection method: clinical testing. Allele origin: germline.

Illumina Laboratory Services, Illumina
Classification: Benign for Corneal dystrophy. Last evaluated: 2018-01-12. Review status: criteria provided, single submitter. Criteria: ICSL Variant Classification Criteria 13 December 2019. Collection method: clinical testing. Allele origin: germline.
Comment: This variant was observed in the ICSL laboratory as part of a predisposition screen in an ostensibly healthy population. It had not been previously curated by ICSL or reported in the Human Gene Mutation Database (HGMD: prior to June 1st, 2018), and was therefore a candidate for classification through an automated scoring system. Utilizing variant allele frequency, disease prevalence and penetrance estimates, and inheritance mode, an automated score was calculated to assess if this variant is too frequent to cause the disease. Based on the score and internal cut-off values, a variant classified as benign is not then subjected to further curation. The score for this variant resulted in a classification of benign for this disease.

PreventionGenetics, part of Exact Sciences
Classification: Benign. Review status: criteria provided, single submitter. Criteria: ACMG Guidelines, 2015. Collection method: clinical testing. Allele origin: germline.